The following is an entry in ClinVar:

NM_000334.4(SCN4A):c.2421C>T (p.Ala807=)

Genes: GH-LCR (growth hormone locus control region; plus strand), SCN4A (sodium voltage-gated channel alpha subunit 4; minus strand). Cytogenetic location: 17q23.3.
Variant type: single nucleotide variant.
Coding change: c.2421C>T on transcript NM_000334.4 (MANE Select); coding-DNA position 2421, C replaced by T.
Protein change: p.Ala807=; no amino-acid change (alanine 807 retained).
Molecular consequence: synonymous variant.
Genome position (GRCh38, 1-based): chr17:63,951,856, G>A on the plus strand (C>T on the coding strand, the complement: SCN4A is on the minus strand). VCF-style: chr17-63951856-G-A. GRCh37 (hg19) VCF-style: chr17-62029216-G-A.
Identifiers: ClinVar variation 507199 (VCV000507199.20), dbSNP rs540328974, ClinGen allele CA8709583.

ClinVar aggregate classification (germline): Likely benign. Review status: criteria provided, multiple submitters, no conflicts (2 of 4 stars). 4 submissions from 4 submitters: Likely benign (4). Last evaluated 2025-11-03.

Conditions:
Paramyotonia congenita of Von Eulenburg. Also called: PARALYSIS PERIODICA PARAMYOTONICA; Paramyotonia Congenita; Eulenburg disease; Myotonia congenita intermittens; Von Eulenburg paramyotonia congenita. Identifiers: Orphanet 684, MedGen C0221055, MONDO:0008195, OMIM 168300. Disease mechanism: loss of function.
Hypokalemic periodic paralysis, type 2 (HOKPP2). Identifiers: Orphanet 681, MedGen C2750061, MONDO:0013234, OMIM 613345.
Hypokalemic periodic paralysis, type 1. Also called: Hypokalemic Periodic Paralysis Type 1 (AD); HypoPP. Identifiers: Orphanet 681, MedGen C3714580, MONDO:0042979, OMIM 170400.
Potassium-aggravated myotonia. Also called: MYOTONIA CONGENITA, ACETAZOLAMIDE-RESPONSIVE; MYOTONIA CONGENITA, ATYPICAL; Myotonia congenita, atypical, acetazolamide-responsive; SODIUM CHANNEL MUSCLE DISEASE. Identifiers: Orphanet 612, Orphanet 99734, Orphanet 99735, Orphanet 99736, MedGen C2931826, MONDO:0018959, OMIM 608390.
Congenital myasthenic syndrome 16. Identifiers: Orphanet 590, MedGen C3280112, MONDO:0013620, OMIM 614198.
Hyperkalemic periodic paralysis. Also called: Familial hyperkalemic periodic paralysis; Gamstorp disease. Identifiers: Orphanet 682, MedGen C0238357, MONDO:0008224, OMIM 170500, HP:0007215.

Allele frequency attached by ClinVar (database versions not stated): 1000 Genomes Project 0.00020; gnomAD exomes 0.00015; 1000 Genomes Project 30x 0.00016; TOPMed 0.00013; gnomAD 0.00009.

Submissions (4):

Labcorp Genetics (formerly Invitae), Labcorp
Classification: Likely benign for Hyperkalemic periodic paralysis. Last evaluated: 2025-11-03. Review status: criteria provided, single submitter. Criteria: Invitae Variant Classification Sherloc (09022015). Collection method: clinical testing. Allele origin: germline.

CeGaT Center for Human Genetics Tuebingen
Classification: Likely benign. Last evaluated: 2025-03-01. Review status: criteria provided, single submitter. Criteria: CeGaT Center For Human Genetics Tuebingen Variant Classification Criteria Version 2. Collection method: clinical testing. Allele origin: germline. Affected: yes. Observed: 1 variant allele.
Comment: SCN4A: BP4, BP7

Fulgent Genetics
Classification: Likely benign for Paramyotonia congenita of Von Eulenburg; Hypokalemic periodic paralysis, type 1; Hyperkalemic periodic paralysis; Potassium-aggravated myotonia; Hypokalemic periodic paralysis, type 2; Congenital myasthenic syndrome 16. Last evaluated: 2021-11-18. Review status: criteria provided, single submitter. Criteria: ACMG Guidelines, 2015. Collection method: clinical testing. Allele origin: unknown.

GeneDx
Classification: Likely benign. Last evaluated: 2017-02-02. Review status: criteria provided, single submitter. Criteria: GeneDx Variant Classification (06012015). Collection method: clinical testing. Allele origin: germline. Affected: yes.
Comment: This variant is considered likely benign or benign based on one or more of the following criteria: it is a conservative change, it occurs at a poorly conserved position in the protein, it is predicted to be benign by multiple in silico algorithms, and/or has population frequency not consistent with disease.